The following is an entry in ClinVar:

ClinVar aggregate classification (germline): Benign/Likely benign. Review status: criteria provided, multiple submitters, no conflicts (2 of 4 stars). 9 submissions from 9 submitters: Benign (2); Likely benign (7). Last evaluated 2026-02-01.

Conditions:
Hereditary cancer-predisposing syndrome. Also called: Neoplastic Syndromes, Hereditary; Hereditary neoplastic syndrome; Tumor predisposition; Hereditary Cancer Syndrome. Identifiers: Orphanet 140162, MedGen C0027672, MeSH D009386, MONDO:0015356.
POLD1-related polyposis and colorectal cancer syndrome (CRCS10). Also called: Colorectal cancer 10; Colorectal cancer, susceptibility to, 10; COLORECTAL CANCER, SUSCEPTIBILITY TO, ON CHROMOSOME 19q. Identifiers: Orphanet 220460, MedGen C2675481, MONDO:0012953, OMIM 612591.
Mandibular hypoplasia-deafness-progeroid syndrome. Also called: Mandibular hypoplasia, deafness, progeroid features, and lipodystrophy syndrome. Identifiers: Orphanet 363649, MedGen C3715192, MONDO:0014157, OMIM 615381.

Allele frequency attached by ClinVar (database versions not stated): gnomAD 0.00011; gnomAD exomes 0.00011 and 0.00015; TOPMed 0.00011; ExAC 0.00021.
gnomAD v4.1: 180 of 1,613,618 alleles (0.011%); highest among the groups gnomAD compares: South Asian, 0.023%; no homozygotes.

Submissions (9):

Labcorp Genetics (formerly Invitae), Labcorp
Classification: Likely benign for POLD1-related polyposis and colorectal cancer syndrome. Last evaluated: 2026-02-01. Review status: criteria provided, single submitter. Criteria: Invitae Variant Classification Sherloc (09022015). Collection method: clinical testing. Allele origin: germline.

CeGaT Center for Human Genetics Tuebingen
Classification: Likely benign. Last evaluated: 2025-05-01. Review status: criteria provided, single submitter. Criteria: CeGaT Center For Human Genetics Tuebingen Variant Classification Criteria Version 2. Collection method: clinical testing. Allele origin: germline. Affected: yes. Observed: 1 variant allele.
Comment: POLD1: BP4, BP7

Center for Genomic Medicine, Rigshospitalet, Copenhagen University Hospital
Classification: Likely benign. Last evaluated: 2025-03-04. Review status: criteria provided, single submitter. Criteria: ACMG Guidelines, 2015. Collection method: clinical testing. Allele origin: germline.

Blueprint Genetics
Classification: Likely benign. Last evaluated: 2024-06-10. Review status: criteria provided, single submitter. Criteria: ACMG Guidelines, 2015. Collection method: clinical testing. Allele origin: germline.

Fulgent Genetics
Classification: Likely benign for POLD1-related polyposis and colorectal cancer syndrome; Mandibular hypoplasia-deafness-progeroid syndrome. Last evaluated: 2021-10-29. Review status: criteria provided, single submitter. Criteria: ACMG Guidelines, 2015. Collection method: clinical testing. Allele origin: unknown.

Women's Health and Genetics/Laboratory Corporation of America, LabCorp
Classification: Benign. Last evaluated: 2021-05-08. Review status: criteria provided, single submitter. Criteria: LabCorp Variant Classification Summary - May 2015. Collection method: clinical testing. Allele origin: germline.

GeneDx
Classification: Likely benign. Last evaluated: 2019-06-21. Review status: criteria provided, single submitter. Criteria: GeneDx Variant Classification Process June 2021. Collection method: clinical testing. Allele origin: germline. Affected: yes.

Quest Diagnostics Nichols Institute San Juan Capistrano
Classification: Benign. Last evaluated: 2019-01-03. Review status: criteria provided, single submitter. Criteria: Quest Diagnostics criteria. Collection method: clinical testing. Allele origin: germline.

Ambry Genetics
Classification: Likely benign for Hereditary cancer-predisposing syndrome. Last evaluated: 2015-07-02. Review status: criteria provided, single submitter. Criteria: Ambry Variant Classification Scheme 2023. Collection method: clinical testing. Allele origin: germline.

NM_002691.4(POLD1):c.1785C>T (p.Asp595=)

Gene: POLD1 (DNA polymerase delta 1, catalytic subunit; plus strand). Cytogenetic location: 19q13.33.
Variant type: single nucleotide variant.
Coding change: c.1785C>T on transcript NM_002691.4 (MANE Select); coding-DNA position 1785, C replaced by T.
Protein change: p.Asp595=; no amino-acid change (aspartic acid 595 retained).
Molecular consequence: synonymous variant. On other transcripts: non-coding transcript variant (1).
Genome position (GRCh38, 1-based): chr19:50,408,794, C>T. VCF-style: chr19-50408794-C-T. GRCh37 (hg19) VCF-style: chr19-50912051-C-T.
Other names: c.1785C>T, p.Asp595= (NM_001256849.1); c.1863C>T, p.Asp621= (NM_001308632.1).
Identifiers: ClinVar variation 383417 (VCV000383417.38), dbSNP rs769563176, ClinGen allele CA9596283.